The following is an entry in ClinVar:

NM_000059.4(BRCA2):c.6181G>A (p.Ala2061Thr)

Gene: BRCA2 (BRCA2 DNA repair associated; plus strand). Cytogenetic location: 13q13.1.
Variant type: single nucleotide variant.
Coding change: c.6181G>A on transcript NM_000059.4 (MANE Select); coding-DNA position 6181, G replaced by A.
Protein change: p.Ala2061Thr; replaces alanine 2061 with threonine.
Molecular consequence: missense variant.
Genome position (GRCh38, 1-based): chr13:32,340,536, G>A. VCF-style: chr13-32340536-G-A. GRCh37 (hg19) VCF-style: chr13-32914673-G-A.
Other names: short protein forms A2061T.
Identifiers: ClinVar variation 462399 (VCV000462399.21), dbSNP rs1555284585, ClinGen allele CA387788393.

ClinVar aggregate classification (germline): Conflicting classifications of pathogenicity. Review status: criteria provided, conflicting classifications (1 of 4 stars). 6 submissions from 6 submitters: Uncertain significance (5); Likely benign (1). Last evaluated 2025-01-22.

Conditions:
Hereditary breast ovarian cancer syndrome. Also called: Hereditary breast and ovarian cancer syndrome (HBOC); Hereditary breast and ovarian cancer syndrome; Breast and ovarian cancer; Hereditary breast and/or ovarian cancer syndrome; Hereditary breast and ovarian cancer; BRCA1- and BRCA2-Associated Hereditary Breast and Ovarian Cancer. Identifiers: Orphanet 145, MedGen C0677776, MeSH D061325, MONDO:0003582. Disease mechanism: loss of function.
Hereditary cancer-predisposing syndrome. Also called: Neoplastic Syndromes, Hereditary; Hereditary Cancer Syndrome; Hereditary neoplastic syndrome; Tumor predisposition. Identifiers: Orphanet 140162, MedGen C0027672, MeSH D009386, MONDO:0015356.

gnomAD v4.1: 6 of 1,613,100 alleles (0.00037%); highest among the groups gnomAD compares: Non-Finnish European, 0.00042%; no homozygotes.

Submissions (6):

Ambry Genetics
Classification: Uncertain significance for Hereditary cancer-predisposing syndrome. Last evaluated: 2025-01-22. Review status: criteria provided, single submitter. Criteria: Ambry Variant Classification Scheme 2023. Collection method: clinical testing. Allele origin: germline.
Comment: The p.A2061T variant (also known as c.6181G>A), located in coding exon 10 of the BRCA2 gene, results from a G to A substitution at nucleotide position 6181. The alanine at codon 2061 is replaced by threonine, an amino acid with similar properties. This amino acid position is highly conserved in available vertebrate species. In addition, this alteration is predicted to be deleterious by in silico analysis. Based on the available evidence, the clinical significance of this variant remains unclear.

Labcorp Genetics (formerly Invitae), Labcorp
Classification: Uncertain significance for Hereditary breast ovarian cancer syndrome. Last evaluated: 2024-06-30. Review status: criteria provided, single submitter. Criteria: Invitae Variant Classification Sherloc (09022015). Collection method: clinical testing. Allele origin: germline.
Comment: This sequence change replaces alanine, which is neutral and non-polar, with threonine, which is neutral and polar, at codon 2061 of the BRCA2 protein (p.Ala2061Thr). This variant is not present in population databases (gnomAD no frequency). This variant has not been reported in the literature in individuals affected with BRCA2-related conditions. ClinVar contains an entry for this variant (Variation ID: 462399). Advanced modeling of protein sequence and biophysical properties (such as structural, functional, and spatial information, amino acid conservation, physicochemical variation, residue mobility, and thermodynamic stability) performed at Invitae indicates that this missense variant is not expected to disrupt BRCA2 protein function with a negative predictive value of 95%. In summary, the available evidence is currently insufficient to determine the role of this variant in disease. Therefore, it has been classified as a Variant of Uncertain Significance.

GeneDx
Classification: Uncertain significance. Last evaluated: 2024-06-05. Review status: criteria provided, single submitter. Criteria: GeneDx Variant Classification Process June 2021. Collection method: clinical testing. Allele origin: germline. Affected: yes.
Comment: Not observed at significant frequency in large population cohorts (gnomAD); In silico analysis supports that this missense variant has a deleterious effect on protein structure/function; Has not been previously published as pathogenic or benign to our knowledge; Also known as 6409G>A; This variant is associated with the following publications: (PMID: 31131967, 9002670, 22193408)

University of Washington Department of Laboratory Medicine, University of Washington
Classification: Likely benign for Hereditary cancer-predisposing syndrome. Last evaluated: 2023-03-23. Review status: criteria provided, single submitter. Criteria: Dines et al. (Genet Med. 2020). Collection method: curation. Allele origin: germline.
Comment: Missense variant in a coldspot region where missense variants are very unlikely to be pathogenic (PMID:31911673).

BRCA2 exon 11 coldspot. Reclassification based on statistical prior probability.

Color Diagnostics, LLC DBA Color Health
Classification: Uncertain significance for Hereditary cancer-predisposing syndrome. Last evaluated: 2023-03-15. Review status: criteria provided, single submitter. Criteria: ACMG Guidelines, 2015. Collection method: clinical testing. Allele origin: germline.
Comment: This missense variant replaces alanine with threonine at codon 2061 of the BRCA2 protein. Computational prediction suggests that this variant may have deleterious impact on protein structure and function (internally defined REVEL score threshold >= 0.7, PMID: 27666373). To our knowledge, functional studies have not been reported for this variant. This variant has been reported in a multifactorial analysis with co-occurrence and family history likelihood ratios for pathogenicity of 1.076 and 0.786, respectively (PMID: 31131967). This variant has not been identified in the general population by the Genome Aggregation Database (gnomAD). The available evidence is insufficient to determine the role of this variant in disease conclusively. Therefore, this variant is classified as a Variant of Uncertain Significance.

Women's Health and Genetics/Laboratory Corporation of America, LabCorp
Classification: Uncertain significance. Last evaluated: 2017-12-18. Review status: criteria provided, single submitter. Criteria: LabCorp Variant Classification Summary - May 2015. Collection method: clinical testing. Allele origin: germline.
Comment: Variant summary:The BRCA2 c.6181G>A (p.Ala2061Thr) variant involves the alteration of a conserved nucleotide, is predicted to be damaging by 4/4 in silico tools predict a damaging outcome for this variant (SNPsandGO not captured due to low reliability index) and is located in BRCA2 repeat 8 which is critical for RAD51 binding (InterPro). This variant is absent in 245114 control chromosomes (gnomAD). The variant of interest has not, to our knowledge, been reported in affected individuals via publications and/or reputable databases/clinical diagnostic laboratories, nor has it been evaluated for functional impact by in vivo/vitro studies. Because of the absence of clinical information and the lack of functional studies, the variant is classified as a variant of uncertain significance (VUS) until additional information becomes available.

Literature cited by the submitters: PubMed 31131967 (cited by Color Diagnostics, LLC DBA Color Health).